The following is an entry in ClinVar:

NM_139281.3(WDR36):c.1805A>G (p.Asp602Gly)

Gene: WDR36 (WD repeat domain 36; plus strand). Cytogenetic location: 5q22.1.
Variant type: single nucleotide variant.
Coding change: c.1805A>G on transcript NM_139281.3 (MANE Select); coding-DNA position 1805, A replaced by G.
Protein change: p.Asp602Gly; replaces aspartic acid 602 with glycine.
Molecular consequence: missense variant.
Genome position (GRCh38, 1-based): chr5:111,119,021, A>G. VCF-style: chr5-111119021-A-G. GRCh37 (hg19) VCF-style: chr5-110454719-A-G.
Other names: short protein forms D658G, D602G.
Identifiers: ClinVar variation 1580 (VCV000001580.31), dbSNP rs34595252, ClinGen allele CA115071.
Genomic context (GRCh38, chr5:111,119,021, plus strand): 5'-TCTCCTTTTTGGTAGAGTTCAAATACTTTTAACATGTTAATTATTTCTGTAGCCTTATAG[A>G]CTGCTTTTTGTTGGACTCGGCTCCTCTCAATGTTTCTATGTCTCCTACTGGAGACTTTCT-3'
Protein context (NP_644810.2, residues 592-612): TWDLPSGCLI[Asp602Gly]CFLLDSAPLN

ClinVar aggregate classification (germline): Benign/Likely benign. Review status: criteria provided, multiple submitters, no conflicts (2 of 4 stars). 5 submissions from 5 submitters: Benign (1); Likely benign (3). 1 of the submissions does not count toward it. Last evaluated 2025-11-06.

Conditions:
Glaucoma 1, open angle, G (GLC1G). Identifiers: MedGen C1835933, OMIM 609887, MONDO:0012357.

Allele frequency attached by ClinVar (database versions not stated): 1000 Genomes Project 0.00140; 1000 Genomes Project 30x 0.00156; ExAC 0.00421; gnomAD exomes 0.00430 and 0.00665; gnomAD 0.00454 and 0.00461; TOPMed 0.00557.
gnomAD v4.1: 10,392 of 1,612,732 alleles (0.64%); highest among the groups gnomAD compares: Non-Finnish European, 0.78%; 36 homozygotes.

Submissions (5):

Labcorp Genetics (formerly Invitae), Labcorp
Classification: Benign. Last evaluated: 2025-11-06. Review status: criteria provided, single submitter. Criteria: Invitae Variant Classification Sherloc (09022015). Collection method: clinical testing. Allele origin: germline.

CeGaT Center for Human Genetics Tuebingen
Classification: Likely benign. Last evaluated: 2023-11-01. Review status: criteria provided, single submitter. Criteria: CeGaT Center For Human Genetics Tuebingen Variant Classification Criteria Version 2. Collection method: clinical testing. Allele origin: germline. Affected: yes. Observed: 1 variant allele.
Comment: WDR36: BS2

Breakthrough Genomics
Classification: Likely benign. Review status: criteria provided, single submitter. Criteria: ACMG Guidelines, 2015. Collection method: not provided. Allele origin: germline. Inheritance: Unknown mechanism. Affected: yes.

PreventionGenetics, part of Exact Sciences
Classification: Likely benign. Review status: criteria provided, single submitter. Criteria: ACMG Guidelines, 2015. Collection method: clinical testing. Allele origin: germline.

OMIM
Classification: Uncertain significance for RECLASSIFIED - VARIANT OF UNKNOWN SIGNIFICANCE. Last evaluated: 2008-01-01. Review status: no assertion criteria provided. Collection method: literature only. Allele origin: germline. Not counted in ClinVar's aggregate classification.

Literature cited by the submitters: PubMed 17353431 (cited by OMIM); PubMed 18172102 (cited by OMIM); PubMed 15677485 (cited by OMIM).